The following is an entry in ClinVar:

NM_000059.4(BRCA2):c.5506A>C (p.Asn1836His)

Gene: BRCA2 (BRCA2 DNA repair associated; plus strand). Cytogenetic location: 13q13.1.
Variant type: single nucleotide variant.
Coding change: c.5506A>C on transcript NM_000059.4 (MANE Select); coding-DNA position 5506, A replaced by C.
Protein change: p.Asn1836His; replaces asparagine 1836 with histidine.
Molecular consequence: missense variant.
Genome position (GRCh38, 1-based): chr13:32,339,861, A>C. VCF-style: chr13-32339861-A-C. GRCh37 (hg19) VCF-style: chr13-32913998-A-C.
Other names: short protein forms N1836H.
Identifiers: ClinVar variation 1519819 (VCV001519819.11), dbSNP rs2137518120, ClinGen allele CA387785817.

ClinVar aggregate classification (germline): Conflicting classifications of pathogenicity. Review status: criteria provided, conflicting classifications (1 of 4 stars). 3 submissions from 3 submitters: Uncertain significance (2); Likely benign (1). Last evaluated 2023-03-23.

Conditions:
Hereditary cancer-predisposing syndrome. Also called: Hereditary neoplastic syndrome; Hereditary Cancer Syndrome; Tumor predisposition; Neoplastic Syndromes, Hereditary. Identifiers: Orphanet 140162, MedGen C0027672, MeSH D009386, MONDO:0015356.
Hereditary breast ovarian cancer syndrome. Also called: Hereditary breast and ovarian cancer syndrome; Hereditary breast and/or ovarian cancer syndrome; BRCA1- and BRCA2-Associated Hereditary Breast and Ovarian Cancer; Hereditary breast and ovarian cancer syndrome (HBOC); Breast and ovarian cancer; Hereditary breast and ovarian cancer. Identifiers: Orphanet 145, MedGen C0677776, MeSH D061325, MONDO:0003582. Disease mechanism: loss of function.

Submissions (3):

University of Washington Department of Laboratory Medicine, University of Washington
Classification: Likely benign for Hereditary cancer-predisposing syndrome. Last evaluated: 2023-03-23. Review status: criteria provided, single submitter. Criteria: Dines et al. (Genet Med. 2020). Collection method: curation. Allele origin: germline.
Comment: Missense variant in a coldspot region where missense variants are very unlikely to be pathogenic (PMID:31911673).

BRCA2 exon 11 coldspot. Reclassification based on statistical prior probability.

Ambry Genetics
Classification: Uncertain significance for Hereditary cancer-predisposing syndrome. Last evaluated: 2022-05-06. Review status: criteria provided, single submitter. Criteria: Ambry Variant Classification Scheme 2023. Collection method: clinical testing. Allele origin: germline.
Comment: The p.N1836H variant (also known as c.5506A>C), located in coding exon 10 of the BRCA2 gene, results from an A to C substitution at nucleotide position 5506. The asparagine at codon 1836 is replaced by histidine, an amino acid with similar properties. This amino acid position is conserved. In addition, this alteration is predicted to be tolerated by in silico analysis. Since supporting evidence is limited at this time, the clinical significance of this alteration remains unclear.

Labcorp Genetics (formerly Invitae), Labcorp
Classification: Uncertain significance for Hereditary breast ovarian cancer syndrome. Last evaluated: 2021-03-25. Review status: criteria provided, single submitter. Criteria: Invitae Variant Classification Sherloc (09022015). Collection method: clinical testing. Allele origin: germline.
Comment: In summary, the available evidence is currently insufficient to determine the role of this variant in disease. Therefore, it has been classified as a Variant of Uncertain Significance. Advanced modeling of protein sequence and biophysical properties (such as structural, functional, and spatial information, amino acid conservation, physicochemical variation, residue mobility, and thermodynamic stability) performed at Invitae indicates that this missense variant is not expected to disrupt BRCA2 protein function. This variant has not been reported in the literature in individuals with BRCA2-related conditions. This variant is not present in population databases (ExAC no frequency). This sequence change replaces asparagine with histidine at codon 1836 of the BRCA2 protein (p.Asn1836His). The asparagine residue is weakly conserved and there is a small physicochemical difference between asparagine and histidine.